The following is an entry in ClinVar:

ClinVar aggregate classification (germline): Uncertain significance (1 of 4 stars; one submission).

Conditions:
Hypertrophic cardiomyopathy 19. Also called: Familial hypertrophic cardiomyopathy 19. Identifiers: MedGen CN077603, MONDO:0013476.

Allele frequency attached by ClinVar (database versions not stated): gnomAD exomes below 0.00001; gnomAD 0.00001; TOPMed 0.00001.
gnomAD v4.1: 3 of 1,613,994 alleles (0.00019%); highest among the groups gnomAD compares: Non-Finnish European, 0.00025%; no homozygotes.

Submission:

Labcorp Genetics (formerly Invitae), Labcorp
Classification: Uncertain significance for Hypertrophic cardiomyopathy 19. Last evaluated: 2024-10-15. Review status: criteria provided, single submitter. Criteria: Invitae Variant Classification Sherloc (09022015). Collection method: clinical testing. Allele origin: germline.
Comment: This sequence change replaces leucine, which is neutral and non-polar, with phenylalanine, which is neutral and non-polar, at codon 256 of the CALR3 protein (p.Leu256Phe). This variant is not present in population databases (gnomAD no frequency). This variant has not been reported in the literature in individuals affected with CALR3-related conditions. Invitae Evidence Modeling of protein sequence and biophysical properties (such as structural, functional, and spatial information, amino acid conservation, physicochemical variation, residue mobility, and thermodynamic stability) indicates that this missense variant is not expected to disrupt CALR3 protein function with a negative predictive value of 80%. In summary, the available evidence is currently insufficient to determine the role of this variant in disease. Therefore, it has been classified as a Variant of Uncertain Significance.

NM_145046.5(CALR3):c.766C>T (p.Leu256Phe)

Gene: CALR3 (calreticulin 3; minus strand). Cytogenetic location: 19p13.11.
Variant type: single nucleotide variant.
Coding change: c.766C>T on transcript NM_145046.5 (MANE Select); coding-DNA position 766, C replaced by T.
Protein change: p.Leu256Phe; replaces leucine 256 with phenylalanine.
Molecular consequence: missense variant.
Genome position (GRCh38, 1-based): chr19:16,482,698, G>A on the plus strand (C>T on the coding strand, the complement: CALR3 is on the minus strand). VCF-style: chr19-16482698-G-A. GRCh37 (hg19) VCF-style: chr19-16593509-G-A.
Other names: short protein forms L256F.
Identifiers: ClinVar variation 3018700 (VCV003018700.3), dbSNP rs1183484360, ClinGen allele CA404608177.
Genomic context (GRCh38, chr19:16,482,698, plus strand): 5'-CCCTGGGGCATCCCTGGCATCATACAAAGAGGCCACACACCTGGTACGGGGGCTTCTGGA[G>A]CATCGGCGCTGGCCAGTCCCCATCCAGGTCACCGTTCCAGTCGCTCTGCTTGCTGGTGCT-3'
Protein context (NP_659483.2, residues 246-266): DLDGDWPAPM[Leu256Phe]QKPPYQDGLK